The following is an entry in ClinVar:

NM_138927.4(SON):c.3905C>T (p.Pro1302Leu)

Gene: SON (SON DNA and RNA binding protein; plus strand). Cytogenetic location: 21q22.11.
Variant type: single nucleotide variant.
Coding change: c.3905C>T on transcript NM_138927.4 (MANE Select); coding-DNA position 3905, C replaced by T.
Protein change: p.Pro1302Leu; replaces proline 1302 with leucine.
Molecular consequence: missense variant. On other transcripts: non-coding transcript variant (1), intron variant (1).
Genome position (GRCh38, 1-based): chr21:33,553,136, C>T. VCF-style: chr21-33553136-C-T. GRCh37 (hg19) VCF-style: chr21-34925442-C-T.
Other names: c.3905C>T, p.Pro1302Leu (NM_001291411.2, NM_001412133.1, NM_032195.3 and 2 more transcripts); c.245-4020C>T (NM_001291412.3); short protein forms P1302L.
Identifiers: ClinVar variation 2957343 (VCV002957343.3), dbSNP rs751904160, ClinGen allele CA10009393.
Genomic context (GRCh38, chr21:33,553,136, plus strand): 5'-CTTGTATGGTATCTGAAACTCCCGCCATGTCAGCTGAACCAACTGTGTTAGCATCAGAGC[C>T]TCCTGTTATGTCAGAGACAGCAGAAACATTTGATTCCATGAGAGCCTCAGGACATGTTGC-3'
Protein context (NP_620305.3, residues 1292-1312): SAEPTVLASE[Pro1302Leu]PVMSETAETF

ClinVar aggregate classification (germline): Uncertain significance (1 of 4 stars; one submission).

Allele frequency attached by ClinVar (database versions not stated): ExAC 0.00001; gnomAD 0.00001.

Submission:

Labcorp Genetics (formerly Invitae), Labcorp
Classification: Uncertain significance. Last evaluated: 2026-01-17. Review status: criteria provided, single submitter. Criteria: Invitae Variant Classification Sherloc (09022015). Collection method: clinical testing. Allele origin: germline.
Comment: This sequence change replaces proline, which is neutral and non-polar, with leucine, which is neutral and non-polar, at codon 1302 of the SON protein (p.Pro1302Leu). This variant is present in population databases (rs751904160, gnomAD 0.03%). This variant has not been reported in the literature in individuals affected with SON-related conditions. ClinVar contains an entry for this variant (Variation ID: 2957343). An algorithm developed to predict the effect of missense changes on protein structure and function (PolyPhen-2) suggests that this variant is likely to be tolerated. In summary, the available evidence is currently insufficient to determine the role of this variant in disease. Therefore, it has been classified as a Variant of Uncertain Significance.